The following is an entry in ClinVar:

ClinVar aggregate classification (germline): Uncertain significance (1 of 4 stars; one submission).

Conditions:
Succinate-semialdehyde dehydrogenase deficiency (SSADHD). Also called: GABA METABOLIC DEFECT; SSADH DEFICIENCY; Succinic Semialdehyde Dehydrogenase Deficiency; 4-HYDROXYBUTYRIC ACIDURIA. Identifiers: Orphanet 22, MedGen C0268631, MONDO:0010083, OMIM 271980.

Allele frequency attached by ClinVar (database versions not stated): gnomAD exomes below 0.00001; TOPMed below 0.00001.
gnomAD v4.1: 1 of 1,614,218 alleles (0.000062%); highest among the groups gnomAD compares: African/African-American, 0.0013%; no homozygotes.

Submission:

Labcorp Genetics (formerly Invitae), Labcorp
Classification: Uncertain significance for Succinate-semialdehyde dehydrogenase deficiency. Last evaluated: 2025-03-03. Review status: criteria provided, single submitter. Criteria: Invitae Variant Classification Sherloc (09022015). Collection method: clinical testing. Allele origin: germline.
Comment: This sequence change replaces valine, which is neutral and non-polar, with methionine, which is neutral and non-polar, at codon 215 of the ALDH5A1 protein (p.Val215Met). This variant is not present in population databases (gnomAD no frequency). This variant has not been reported in the literature in individuals affected with ALDH5A1-related conditions. ClinVar contains an entry for this variant (Variation ID: 2007998). Invitae Evidence Modeling of protein sequence and biophysical properties (such as structural, functional, and spatial information, amino acid conservation, physicochemical variation, residue mobility, and thermodynamic stability) indicates that this missense variant is not expected to disrupt ALDH5A1 protein function with a negative predictive value of 80%. In summary, the available evidence is currently insufficient to determine the role of this variant in disease. Therefore, it has been classified as a Variant of Uncertain Significance.

NM_001080.3(ALDH5A1):c.643G>A (p.Val215Met)

Gene: ALDH5A1 (aldehyde dehydrogenase 5 family member A1; plus strand). Cytogenetic location: 6p22.3.
Variant type: single nucleotide variant.
Coding change: c.643G>A on transcript NM_001080.3 (MANE Select); coding-DNA position 643, G replaced by A.
Protein change: p.Val215Met; replaces valine 215 with methionine.
Molecular consequence: missense variant.
Genome position (GRCh38, 1-based): chr6:24,504,902, G>A. VCF-style: chr6-24504902-G-A. GRCh37 (hg19) VCF-style: chr6-24505130-G-A.
Other names: c.643G>A, p.Val215Met (NM_001368954.1, NM_170740.1); short protein forms V215M.
Identifiers: ClinVar variation 2007998 (VCV002007998.4), dbSNP rs1759307731, ClinGen allele CA362970047.
Genomic context (GRCh38, chr6:24,504,902, plus strand): 5'-ATACTTCCTCTGCTCTTCTAACCCCAGTGGAATTTCCCCAGTGCCATGATCACCCGGAAG[G>A]TGGGGGCCGCCCTGGCAGCCGGCTGTACTGTCGTGGTGAAGCCTGCCGAAGACACGCCCT-3'
Protein context (NP_001071.1, residues 205-225): NFPSAMITRK[Val215Met]GAALAAGCTV